The following is an entry in ClinVar:

NM_001377.3(DYNC2H1):c.12254G>A (p.Arg4085His)

Gene: DYNC2H1 (dynein cytoplasmic 2 heavy chain 1; plus strand). Cytogenetic location: 11q22.3.
Variant type: single nucleotide variant.
Coding change: c.12254G>A on transcript NM_001377.3 (MANE Select); coding-DNA position 12254, G replaced by A.
Protein change: p.Arg4085His; replaces arginine 4085 with histidine.
Molecular consequence: missense variant.
Genome position (GRCh38, 1-based): chr11:103,399,760, G>A. VCF-style: chr11-103399760-G-A. GRCh37 (hg19) VCF-style: chr11-103270488-G-A.
Other names: c.12275G>A, p.Arg4092His (NM_001080463.2); short protein forms R4092H, R4085H.
Identifiers: ClinVar variation 302118 (VCV000302118.24), dbSNP rs115480556, ClinGen allele CA6255498.

ClinVar aggregate classification (germline): Benign. Review status: criteria provided, multiple submitters, no conflicts (2 of 4 stars). 4 submissions from 4 submitters: Benign (4). Last evaluated 2026-01-28.

Conditions:
Asphyxiating thoracic dystrophy 3. Also called: SHORT-RIB THORACIC DYSPLASIA 3 WITH OR WITHOUT POLYDACTYLY; POLYDACTYLY WITH NEONATAL CHONDRODYSTROPHY, TYPE I; SHORT-RIB THORACIC DYSPLASIA 3/6 WITH POLYDACTYLY, DIGENIC; Short rib polydactyly syndrome 2B; Saldino-Noonan Syndrome. Identifiers: Orphanet 474, Orphanet 93269, Orphanet 93270, Orphanet 93271, MedGen C0036069, MONDO:0013127, OMIM 613091.
Jeune thoracic dystrophy. Also called: Short-rib thoracic dysplasia; Jeune syndrome; Infantile thoracic dystrophy; Thoracic pelvic phalangeal dystrophy; Jeune's syndrome; Chondroectodermal dysplasia-like syndrome. Identifiers: Orphanet 474, MedGen C0265275, MONDO:0018770.

Allele frequency attached by ClinVar (database versions not stated): gnomAD exomes 0.00169; ExAC 0.00184; gnomAD 0.00653 and 0.00689; ESP Exome Variant Server 0.00676; TOPMed 0.00720; 1000 Genomes Project 0.00739; 1000 Genomes Project 30x 0.00781.
gnomAD v4.1: 1,987 of 1,613,762 alleles (0.12%); highest among the groups gnomAD compares: African/African-American, 2.3%; 26 homozygotes.

Submissions (4):

Labcorp Genetics (formerly Invitae), Labcorp
Classification: Benign for Jeune thoracic dystrophy. Last evaluated: 2026-01-28. Review status: criteria provided, single submitter. Criteria: Invitae Variant Classification Sherloc (09022015). Collection method: clinical testing. Allele origin: germline.

ARUP Laboratories, Molecular Genetics and Genomics, ARUP Laboratories
Classification: Benign for Asphyxiating thoracic dystrophy 3. Last evaluated: 2025-02-11. Review status: criteria provided, single submitter. Criteria: ARUP Molecular Germline Variant Investigation Process 2024. Collection method: clinical testing. Allele origin: germline.

Illumina Laboratory Services, Illumina
Classification: Benign for Asphyxiating thoracic dystrophy 3. Last evaluated: 2018-01-13. Review status: criteria provided, single submitter. Criteria: ICSL Variant Classification Criteria 13 December 2019. Collection method: clinical testing. Allele origin: germline.
Comment: This variant was observed in the ICSL laboratory as part of a predisposition screen in an ostensibly healthy population. It had not been previously curated by ICSL or reported in the Human Gene Mutation Database (HGMD: prior to June 1st, 2018), and was therefore a candidate for classification through an automated scoring system. Utilizing variant allele frequency, disease prevalence and penetrance estimates, and inheritance mode, an automated score was calculated to assess if this variant is too frequent to cause the disease. Based on the score and internal cut-off values, a variant classified as benign is not then subjected to further curation. The score for this variant resulted in a classification of benign for this disease.

GeneDx
Classification: Benign. Last evaluated: 2017-07-03. Review status: criteria provided, single submitter. Criteria: GeneDx Variant Classification (06012015). Collection method: clinical testing. Allele origin: germline. Affected: yes.
Comment: This variant is considered likely benign or benign based on one or more of the following criteria: it is a conservative change, it occurs at a poorly conserved position in the protein, it is predicted to be benign by multiple in silico algorithms, and/or has population frequency not consistent with disease.